The following is an entry in ClinVar:

ClinVar aggregate classification (germline): Uncertain significance (0 of 4 stars; one submission).

Conditions:
BAZ1B-related disorder. Also called: BAZ1B-related condition.

Submission:

PreventionGenetics, part of Exact Sciences
Classification: Uncertain significance for BAZ1B-related condition. Last evaluated: 2024-02-05. Review status: no assertion criteria provided. Collection method: clinical testing. Allele origin: germline.
Comment: The BAZ1B c.3571C>T variant is predicted to result in premature protein termination (p.Arg1191*). To our knowledge, this variant has not been reported in the literature or in a large population database, indicating this variant is rare. At this time, the clinical significance of this variant is uncertain due to the absence of conclusive functional and genetic evidence.

NM_032408.4(BAZ1B):c.3571C>T (p.Arg1191Ter)

Gene: BAZ1B (bromodomain adjacent to zinc finger domain 1B; minus strand). Cytogenetic location: 7q11.23.
Variant type: single nucleotide variant.
Coding change: c.3571C>T on transcript NM_032408.4 (MANE Select); coding-DNA position 3571, C replaced by T.
Protein change: p.Arg1191Ter; replaces arginine 1191 with a stop codon.
Molecular consequence: nonsense.
Genome position (GRCh38, 1-based): chr7:73,450,856, G>A on the plus strand (C>T on the coding strand, the complement: BAZ1B is on the minus strand). VCF-style: chr7-73450856-G-A. GRCh37 (hg19) VCF-style: chr7-72865186-G-A.
Other names: c.3571C>T, p.Arg1191Ter (NM_001370402.1); short protein forms R1191*.
Identifiers: ClinVar variation 3029920 (VCV003029920.2), dbSNP rs2484776431, ClinGen allele CA367794219.